The following is an entry in ClinVar:

NM_000517.6(HBA2):c.24G>T (p.Lys8Asn)

Genes: HBA2 (hemoglobin subunit alpha 2; plus strand), LOC106804612 (hemoglobin subunit alpha 2 recombination region; plus strand). Cytogenetic location: 16p13.3.
Variant type: single nucleotide variant.
Coding change: c.24G>T on transcript NM_000517.6 (MANE Select); coding-DNA position 24, G replaced by T.
Protein change: p.Lys8Asn; replaces lysine 8 with asparagine.
Molecular consequence: missense variant.
Genome position (GRCh38, 1-based): chr16:172,936, G>T. VCF-style: chr16-172936-G-T. GRCh37 (hg19) VCF-style: chr16-222935-G-T.
Other names: short protein forms K8N.
Identifiers: ClinVar variation 811318 (VCV000811318.9), dbSNP rs281860604, ClinGen allele CA393992925.

ClinVar aggregate classification (germline): Uncertain significance. Review status: criteria provided, single submitter (1 of 4 stars). 2 submissions from 2 submitters: Uncertain significance (1). 1 of the submissions does not count toward it. Last evaluated 2019-02-20.

Conditions:
alpha Thalassemia. Also called: Alpha thalassemia spectrum. Identifiers: Orphanet 846, MedGen C0002312, MONDO:0011399, OMIM 604131.

Submissions (2):

ARUP Laboratories, Molecular Genetics and Genomics, ARUP Laboratories
Classification: Uncertain significance. Last evaluated: 2019-02-20. Review status: criteria provided, single submitter. Criteria: ARUP Molecular Germline Variant Investigation Process. Collection method: clinical testing. Allele origin: germline.
Comment: The HBA2: c.24G>T; p.Lys8Asn variant (also known as Lys7Asn when numbered from the mature protein, rs281860604), to our knowledge, is not reported in the medical literature or gene-specific databases. However, a variant causing the same amino acid substitution (Hb Tatras: c.24G>C; p.Lys8Asn) is reported in the literature in an asymptomatic heterozygous individual with a normal hematological profile (Wajcman 1994, HbVar database). The c.24G>T variant is absent from general population databases (Exome Variant Server, Genome Aggregation Database), indicating it is not a common polymorphism. The lysine at codon 8 is moderately conserved, and computational analyses (SIFT, PolyPhen-2) predict that this variant is deleterious, although these predictions are low-confidence for the HBA2 gene. However, due to limited information, the clinical significance of the c.24G>T; p.Lys8Asn variant is uncertain at this time. References: HbVar link to HB Tatras: Wajcman H et al. Two new alpha chain variants found during glycated hemoglobin screening: Hb Tatras [alpha 7(A5)Lys-->Asn] and HB Lisbon [alpha 23(B4)Glu-->Asp]. Hemoglobin. 1994 Nov;18(6):427-32.

Natera, Inc.
Classification: Uncertain significance for Alpha thalassemia. Last evaluated: 2021-02-09. Review status: no assertion criteria provided. Collection method: clinical testing. Allele origin: germline. Not counted in ClinVar's aggregate classification.